The following is an entry in ClinVar:

ClinVar aggregate classification (germline): Pathogenic (1 of 4 stars; one submission).

Conditions:
Hereditary cancer-predisposing syndrome. Also called: Neoplastic Syndromes, Hereditary; Hereditary Cancer Syndrome; Tumor predisposition; Hereditary neoplastic syndrome. Identifiers: Orphanet 140162, MedGen C0027672, MeSH D009386, MONDO:0015356.

Submission:

Labcorp Genetics (formerly Invitae), Labcorp
Classification: Pathogenic for Hereditary cancer-predisposing syndrome. Last evaluated: 2023-09-17. Review status: criteria provided, single submitter. Criteria: Invitae Variant Classification Sherloc (09022015). Collection method: clinical testing. Allele origin: germline.
Comment: This sequence change creates a premature translational stop signal (p.Gln575*) in the RAD50 gene. It is expected to result in an absent or disrupted protein product. Loss-of-function variants in RAD50 are known to be pathogenic (PMID: 19409520). This variant is not present in population databases (gnomAD no frequency). This variant has not been reported in the literature in individuals affected with RAD50-related conditions. ClinVar contains an entry for this variant (Variation ID: 582373). For these reasons, this variant has been classified as Pathogenic.

Literature cited by the submitters: PubMed 19409520.

NM_005732.4(RAD50):c.1723C>T (p.Gln575Ter)

Gene: RAD50 (RAD50 double strand break repair protein; plus strand). Cytogenetic location: 5q31.1.
Variant type: single nucleotide variant.
Coding change: c.1723C>T on transcript NM_005732.4 (MANE Select); coding-DNA position 1723, C replaced by T.
Protein change: p.Gln575Ter; replaces glutamine 575 with a stop codon.
Molecular consequence: nonsense.
Genome position (GRCh38, 1-based): chr5:132,591,964, C>T. VCF-style: chr5-132591964-C-T. GRCh37 (hg19) VCF-style: chr5-131927656-C-T.
Other names: short protein forms Q575*.
Identifiers: ClinVar variation 582373 (VCV000582373.9), dbSNP rs980964237, ClinGen allele CA127247038.
Genomic context (GRCh38, chr5:132,591,964, plus strand): 5'-ATAAAATCTAGGCACAGTGATGAATTAACCTCACTGTTGGGATATTTTCCCAACAAAAAA[C>T]AGCTTGAAGACTGGCTACATAGTAAATCAAAAGAAATTAATCAGACCAGGGACAGACTTG-3'